The following is an entry in ClinVar:

ClinVar aggregate classification (germline): Benign (1 of 4 stars; one submission).

Conditions:
Arthrogryposis, distal, type 1B. Identifiers: Orphanet 1146, MedGen C3280526, MONDO:0013698, OMIM 614335.

Allele frequency attached by ClinVar (database versions not stated): gnomAD exomes 0.00014; gnomAD 0.00001 and below 0.00001; TOPMed 0.00001; ExAC 0.00016.

Submission:

Illumina Laboratory Services, Illumina
Classification: Benign for Arthrogryposis, distal, type 1B. Last evaluated: 2018-01-12. Review status: criteria provided, single submitter. Criteria: ICSL Variant Classification Criteria 13 December 2019. Collection method: clinical testing. Allele origin: germline.
Comment: This variant was observed in the ICSL laboratory as part of a predisposition screen in an ostensibly healthy population. It had not been previously curated by ICSL or reported in the Human Gene Mutation Database (HGMD: prior to June 1st, 2018), and was therefore a candidate for classification through an automated scoring system. Utilizing variant allele frequency, disease prevalence and penetrance estimates, and inheritance mode, an automated score was calculated to assess if this variant is too frequent to cause the disease. Based on the score and internal cut-off values, a variant classified as benign is not then subjected to further curation. The score for this variant resulted in a classification of benign for this disease.

NM_002465.4(MYBPC1):c.750C>A (p.Ile250=)

Gene: MYBPC1 (myosin binding protein C1; plus strand). Cytogenetic location: 12q23.2.
Variant type: single nucleotide variant.
Coding change: c.750C>A on transcript NM_002465.4 (MANE Select); coding-DNA position 750, C replaced by A.
Protein change: p.Ile250=; no amino-acid change (isoleucine 250 retained).
Molecular consequence: synonymous variant.
Genome position (GRCh38, 1-based): chr12:101,642,503, C>A. VCF-style: chr12-101642503-C-A. GRCh37 (hg19) VCF-style: chr12-102036281-C-A.
Other names: c.675C>A, p.Ile225= (NM_001254718.3, NM_001254719.3, NM_206820.4 and 1 more transcripts); c.639C>A, p.Ile213= (NM_001254720.3); c.618C>A, p.Ile206= (NM_001254721.3, NM_001404676.1, NM_001404678.1); c.597C>A, p.Ile199= (NM_001254722.3, NM_001404680.1); c.636C>A, p.Ile212= (NM_001254723.3); c.750C>A, p.Ile250= (NM_001404675.1, NM_206819.4); c.540C>A, p.Ile180= (NM_001404677.1, NM_001404679.1, NM_001404681.1).
Identifiers: ClinVar variation 306728 (VCV000306728.7), dbSNP rs761503353, ClinGen allele CA6744622.
Genomic context (GRCh38, chr12:101,642,503, plus strand): 5'-ACCCCAGGTGGACGTATGGGAGTTGCTGAAGAACGCGAAACCCAGTGAGTACGAGAAGAT[C>A]GCCTTCCAGTATGGAATCACCGACCTGCGCGGCATGCTCAAGCGACTCAAGCGCATGCGC-3'
Protein context (NP_002456.2, residues 240-260): KNAKPSEYEK[Ile250=]AFQYGITDLR